The following is an entry in ClinVar:

NM_001110556.2(FLNA):c.4069C>T (p.Arg1357Trp)

Gene: FLNA (filamin A; minus strand). Cytogenetic location: Xq28.
Variant type: single nucleotide variant.
Coding change: c.4069C>T on transcript NM_001110556.2 (MANE Select); coding-DNA position 4069, C replaced by T.
Protein change: p.Arg1357Trp; replaces arginine 1357 with tryptophan.
Molecular consequence: missense variant.
Genome position (GRCh38, 1-based): chrX:154,359,557, G>A on the plus strand (C>T on the coding strand, the complement: FLNA is on the minus strand). VCF-style: chrX-154359557-G-A. GRCh37 (hg19) VCF-style: chrX-153587925-G-A.
Other names: c.4069C>T, p.Arg1357Trp (NM_001456.4); c.4069C>T (NM_001456.3); short protein forms R1357W.
Identifiers: ClinVar variation 1377467 (VCV001377467.11), dbSNP rs373073505, ClinGen allele CA10560604.

ClinVar aggregate classification (germline): Conflicting classifications of pathogenicity. Review status: criteria provided, conflicting classifications (1 of 4 stars). 4 submissions from 4 submitters: Uncertain significance (3); Likely benign (1). Last evaluated 2025-10-06.

Conditions:
Heterotopia, periventricular, X-linked dominant (PVNH1). Also called: PERIVENTRICULAR NODULAR HETEROTOPIA 4; HETEROTOPIA, PERIVENTRICULAR, 1; PERIVENTRICULAR NODULAR HETEROTOPIA 1; X-linked periventricular heterotopia. Identifiers: Orphanet 2149, Orphanet 82004, MedGen C1848213, MONDO:0010233, OMIM 300049.
Melnick-Needles syndrome (MNS). Also called: MELNICK-NEEDLES OSTEODYSPLASTY; OSTEODYSPLASTY OF MELNICK AND NEEDLES; Melnick-Needles Syndrome (FLNA-MNS). Identifiers: Orphanet 2484, MedGen C0025237, MONDO:0010650, OMIM 309350.
Frontometaphyseal dysplasia (FMD1). Identifiers: Orphanet 1826, MedGen C0265293, MONDO:0015942.
Oto-palato-digital syndrome, type II (OPD2). Also called: FACIOPALATOOSSEOUS SYNDROME; OPD II SYNDROME; Otopalatodigital Syndrome, Type II; Otopalatodigital Syndrome Type 2 (FLNA-OPD2). Identifiers: Orphanet 669, Orphanet 90652, MedGen C1844696, MONDO:0010571, OMIM 304120.
Familial thoracic aortic aneurysm and aortic dissection (TAAD). Also called: Thoracic aortic aneurysms and dissections. Identifiers: Orphanet 91387, MedGen C4707243, MONDO:0019625.

Allele frequency attached by ClinVar (database versions not stated): ExAC 0.00001; gnomAD exomes 0.00001; ESP Exome Variant Server 0.00010.

Submissions (4):

GeneDx
Classification: Uncertain significance. Last evaluated: 2025-10-06. Review status: criteria provided, single submitter. Criteria: GeneDx Variant Classification Process June 2021. Collection method: clinical testing. Allele origin: germline. Affected: yes.
Comment: Has not been previously published as pathogenic or benign to our knowledge; In silico analysis supports that this missense variant has a deleterious effect on protein structure/function

Ambry Genetics
Classification: Uncertain significance for Familial thoracic aortic aneurysm and aortic dissection. Last evaluated: 2025-10-01. Review status: criteria provided, single submitter. Criteria: Ambry Variant Classification Scheme 2023. Collection method: clinical testing. Allele origin: germline.
Comment: The p.R1357W variant (also known as c.4069C>T), located in coding exon 23 of the FLNA gene, results from a C to T substitution at nucleotide position 4069. The arginine at codon 1357 is replaced by tryptophan, an amino acid with dissimilar properties. Based on data from gnomAD, the T allele has an overall frequency of <0.01% (1/180566) total alleles studied, with 0 hemizygote(s) observed. The highest observed frequency was <0.01% (1/80549) of European (non-Finnish) alleles. This amino acid position is highly conserved in available vertebrate species. In addition, this alteration is predicted to be deleterious by in silico analysis. Based on the available evidence, the clinical significance of this variant remains unclear.

Labcorp Genetics (formerly Invitae), Labcorp
Classification: Likely benign for Oto-palato-digital syndrome, type II; Heterotopia, periventricular, X-linked dominant; Frontometaphyseal dysplasia; Melnick-Needles syndrome. Last evaluated: 2024-06-03. Review status: criteria provided, single submitter. Criteria: Invitae Variant Classification Sherloc (09022015). Collection method: clinical testing. Allele origin: germline.

Women's Health and Genetics/Laboratory Corporation of America, LabCorp
Classification: Uncertain significance. Last evaluated: 2023-03-29. Review status: criteria provided, single submitter. Criteria: LabCorp Variant Classification Summary - May 2015. Collection method: clinical testing. Allele origin: germline.
Comment: Variant summary: FLNA c.4069C>T (p.Arg1357Trp) results in a non-conservative amino acid change in the encoded protein sequence. Five of five in-silico tools predict a damaging effect of the variant on protein function. The variant allele was found at a frequency of 5.5e-06 in 180566 control chromosomes (gnomAD). The available data on variant occurrences in the general population are insufficient to allow any conclusion about variant significance. To our knowledge, no occurrence of c.4069C>T in individuals affected with Periventricular Nodular Heterotopia 1 and no experimental evidence demonstrating its impact on protein function have been reported. One clinical diagnostic laboratory has submitted clinical-significance assessments for this variant to ClinVar after 2014 and classified the variant as uncertain significance. Based on the evidence outlined above, the variant was classified as uncertain significance.